The following is an entry in ClinVar:

ClinVar aggregate classification (germline): Pathogenic/Likely pathogenic. Review status: criteria provided, multiple submitters, no conflicts (2 of 4 stars). 2 submissions from 2 submitters: Pathogenic (1); Likely pathogenic (1). Last evaluated 2023-12-07.

Conditions:
Fanconi anemia (FA). Also called: Fanconi's anemia. Identifiers: Orphanet 84, MedGen C0015625, MeSH D005199, MONDO:0019391.
Fanconi anemia complementation group I (FANCI). Also called: FANCI-Related Fanconi Anemia. Identifiers: Orphanet 84, MedGen C1836861, MONDO:0012186, OMIM 609053.

Submissions (2):

Baylor Genetics
Classification: Likely pathogenic for Fanconi anemia complementation group I. Last evaluated: 2023-12-07. Review status: criteria provided, single submitter. Criteria: ACMG Guidelines, 2015. Collection method: clinical testing. Allele origin: unknown.

Labcorp Genetics (formerly Invitae), Labcorp
Classification: Pathogenic for Fanconi anemia. Last evaluated: 2021-09-29. Review status: criteria provided, single submitter. Criteria: Invitae Variant Classification Sherloc (09022015). Collection method: clinical testing. Allele origin: germline.
Comment: This sequence change creates a premature translational stop signal (p.His292Glnfs*3) in the FANCI gene. It is expected to result in an absent or disrupted protein product. For these reasons, this variant has been classified as Pathogenic. Loss-of-function variants in FANCI are known to be pathogenic (PMID: 17452773, 17460694). This variant has not been reported in the literature in individuals with FANCI-related conditions. This variant is not present in population databases (ExAC no frequency).

Literature cited by the submitters: PubMed 17452773 (cited by Labcorp Genetics (formerly Invitae), Labcorp); PubMed 17460694 (cited by Labcorp Genetics (formerly Invitae), Labcorp).

NM_001113378.2(FANCI):c.876_879del (p.His292fs)

Gene: FANCI (FA complementation group I; plus strand). Cytogenetic location: 15q26.1.
Variant type: Deletion.
Coding change: c.876_879del on transcript NM_001113378.2 (MANE Select); coding-DNA positions 876 to 879, 4 bases deleted (CTTA; older notation c.876_879delCTTA).
Protein change: p.His292fs; shifts the reading frame from histidine 292.
Molecular consequence: frameshift variant.
Genome position (GRCh38, 1-based): chr15:89,268,519-89,268,522, CTTA deleted; deleting any 4 consecutive bases within chr15:89,268,518-89,268,522 gives the same sequence; the c. name uses the placement nearest the transcript's 3' end. VCF-style (leftmost placement, unchanged base first): chr15-89268517-CACTT-C. GRCh37 (hg19) VCF-style: chr15-89811748-CACTT-C.
Other names: c.597_600del, p.His199fs (NM_001376910.1); c.876_879del, p.His292fs (NM_001376911.1, NM_018193.3); short protein forms H292fs, H199fs.
Identifiers: ClinVar variation 834648 (VCV000834648.8), dbSNP rs2053066105, ClinGen allele CA916081751.